The following is an entry in ClinVar:

NM_183065.4(TMEM107):c.288C>G (p.Ala96=)

Genes: TMEM107 (transmembrane protein 107; minus strand), LOC105371520 (uncharacterized LOC105371520; plus strand). Cytogenetic location: 17p13.1.
Variant type: single nucleotide variant.
Coding change: c.288C>G on transcript NM_183065.4 (MANE Select); coding-DNA position 288, C replaced by G.
Protein change: p.Ala96=; no amino-acid change (alanine 96 retained).
Molecular consequence: synonymous variant. On other transcripts: intron variant (1).
Genome position (GRCh38, 1-based): chr17:8,174,585, G>C on the plus strand (C>G on the coding strand, the complement: TMEM107 is on the minus strand). VCF-style: chr17-8174585-G-C. GRCh37 (hg19) VCF-style: chr17-8077903-G-C.
Other names: c.306C>G, p.Ala102= (NM_001351278.2, NM_032354.5); c.288C>G, p.Ala96= (NM_001351279.2); c.156-313C>G (NM_001351280.2).
Identifiers: ClinVar variation 3349088 (VCV003349088.1).

ClinVar aggregate classification (germline): Likely benign (0 of 4 stars; one submission).

Conditions:
TMEM107-related disorder. Also called: TMEM107-related condition.

Submission:

PreventionGenetics, part of Exact Sciences
Classification: Likely benign for TMEM107-related condition. Last evaluated: 2024-05-06. Review status: no assertion criteria provided. Collection method: clinical testing. Allele origin: germline.
Comment: This variant is classified as likely benign based on ACMG/AMP sequence variant interpretation guidelines (Richards et al. 2015 PMID: 25741868, with internal and published modifications).